The following is an entry in ClinVar:

NM_000895.3(LTA4H):c.280G>A (p.Ala94Thr)

Gene: LTA4H (leukotriene A4 hydrolase; minus strand). Cytogenetic location: 12q23.1.
Variant type: single nucleotide variant.
Coding change: c.280G>A on transcript NM_000895.3 (MANE Select); coding-DNA position 280, G replaced by A.
Protein change: p.Ala94Thr; replaces alanine 94 with threonine.
Molecular consequence: missense variant. On other transcripts: non-coding transcript variant (1).
Genome position (GRCh38, 1-based): chr12:96,029,065, C>T on the plus strand (G>A on the coding strand, the complement: LTA4H is on the minus strand). VCF-style: chr12-96029065-C-T. GRCh37 (hg19) VCF-style: chr12-96422843-C-T.
Other names: c.208G>A, p.Ala70Thr (NM_001256643.1, NM_001256644.1); short protein forms A94T, A70T.
Identifiers: ClinVar variation 718032 (VCV000718032.28), dbSNP rs143721623, ClinGen allele CA6728730.

ClinVar aggregate classification (germline): Likely benign. Review status: criteria provided, multiple submitters, no conflicts (2 of 4 stars). 3 submissions from 3 submitters: Likely benign (3). Last evaluated 2023-05-01.

Allele frequency attached by ClinVar (database versions not stated): 1000 Genomes Project 30x 0.00156; 1000 Genomes Project 0.00180; ExAC 0.00447; gnomAD exomes 0.00451; TOPMed 0.00465; ESP Exome Variant Server 0.00515.
gnomAD v4.1: 9,828 of 1,584,006 alleles (0.62%); highest among the groups gnomAD compares: Non-Finnish European, 0.75%; 33 homozygotes.

Submissions (3):

CeGaT Center for Human Genetics Tuebingen
Classification: Likely benign. Last evaluated: 2023-05-01. Review status: criteria provided, single submitter. Criteria: CeGaT Center For Human Genetics Tuebingen Variant Classification Criteria Version 2. Collection method: clinical testing. Allele origin: germline. Affected: yes. Observed: 1 variant allele.
Comment: LTA4H: BP4, BS2

Labcorp Genetics (formerly Invitae), Labcorp
Classification: Likely benign. Last evaluated: 2018-05-17. Review status: criteria provided, single submitter. Criteria: Invitae Variant Classification Sherloc (09022015). Collection method: clinical testing. Allele origin: germline.

Breakthrough Genomics
Classification: Likely benign. Review status: criteria provided, single submitter. Criteria: ACMG Guidelines, 2015. Collection method: not provided. Allele origin: germline. Inheritance: Unknown mechanism. Affected: yes.